The following is an entry in ClinVar:

ClinVar aggregate classification (germline): Uncertain significance. Review status: criteria provided, multiple submitters, no conflicts (2 of 4 stars). 2 submissions from 2 submitters: Uncertain significance (2). Last evaluated 2025-10-08.

Conditions:
Inborn genetic diseases. Identifiers: MedGen C0950123, MeSH D030342.
Heterotaxy, visceral, 5, autosomal (HTX5). Also called: Heterotaxy, visceral, 5. Identifiers: Orphanet 450, MedGen C3495537, MONDO:0700112, OMIM 270100.

Allele frequency attached by ClinVar (database versions not stated): TOPMed 0.00001; ExAC 0.00002; gnomAD exomes 0.00002.
gnomAD v4.1: 11 of 1,614,172 alleles (0.00068%); highest among the groups gnomAD compares: Non-Finnish European, 0.00093%; no homozygotes.

Submissions (2):

Labcorp Genetics (formerly Invitae), Labcorp
Classification: Uncertain significance for Heterotaxy, visceral, 5, autosomal. Last evaluated: 2025-10-08. Review status: criteria provided, single submitter. Criteria: Invitae Variant Classification Sherloc (09022015). Collection method: clinical testing. Allele origin: germline.
Comment: This sequence change replaces aspartic acid, which is acidic and polar, with histidine, which is basic and polar, at codon 338 of the NODAL protein (p.Asp338His). This variant is present in population databases (rs200946243, gnomAD 0.004%). This variant has not been reported in the literature in individuals affected with NODAL-related conditions. ClinVar contains an entry for this variant (Variation ID: 2057797). Invitae Evidence Modeling of protein sequence and biophysical properties (such as structural, functional, and spatial information, amino acid conservation, physicochemical variation, residue mobility, and thermodynamic stability) indicates that this missense variant is expected to disrupt NODAL protein function with a positive predictive value of 80%. In summary, the available evidence is currently insufficient to determine the role of this variant in disease. Therefore, it has been classified as a Variant of Uncertain Significance.

Ambry Genetics
Classification: Uncertain significance for Inborn genetic diseases. Last evaluated: 2024-10-20. Review status: criteria provided, single submitter. Criteria: Ambry Variant Classification Scheme 2023. Collection method: clinical testing. Allele origin: germline.

NM_018055.5(NODAL):c.1012G>C (p.Asp338His)

Gene: NODAL (nodal growth differentiation factor; minus strand). Cytogenetic location: 10q22.1.
Variant type: single nucleotide variant.
Coding change: c.1012G>C on transcript NM_018055.5 (MANE Select); coding-DNA position 1012, G replaced by C.
Protein change: p.Asp338His; replaces aspartic acid 338 with histidine.
Molecular consequence: missense variant.
Genome position (GRCh38, 1-based): chr10:70,432,968, C>G on the plus strand (G>C on the coding strand, the complement: NODAL is on the minus strand). VCF-style: chr10-70432968-C-G. GRCh37 (hg19) VCF-style: chr10-72192724-C-G.
Other names: c.613G>C, p.Asp205His (NM_001329906.2); c.1012G>C (NM_018055.4); short protein forms D205H, D338H.
Identifiers: ClinVar variation 2057797 (VCV002057797.5), dbSNP rs200946243, ClinGen allele CA5537482.